The following is an entry in ClinVar:

ClinVar aggregate classification (germline): Conflicting classifications of pathogenicity. Review status: criteria provided, conflicting classifications (1 of 4 stars). 4 submissions from 2 submitters: Uncertain significance (1); Benign (3). Last evaluated 2022-10-01.

Conditions:
Andersen Tawil syndrome (LQT7). Also called: PERIODIC PARALYSIS, POTASSIUM-SENSITIVE CARDIODYSRHYTHMIC TYPE; ANDERSEN CARDIODYSRHYTHMIC PERIODIC PARALYSIS; LONG QT SYNDROME 7; Potassium-sensitive periodic paralysis, ventricular ectopy, and dysmorphic features; Andersen Syndrome. Identifiers: Orphanet 37553, MedGen C1563715, MONDO:0008222, OMIM 170390.
Atrial fibrillation, familial, 9 (ATFB9). Identifiers: MedGen C3151431, MONDO:0013513, OMIM 613980.
Short QT syndrome type 3. Identifiers: Orphanet 51083, MedGen C1865018, MONDO:0012314, OMIM 609622.

Allele frequency attached by ClinVar (database versions not stated): gnomAD exomes 0.00103; 1000 Genomes Project 0.00160; 1000 Genomes Project 30x 0.00172; gnomAD 0.00231 and 0.00237; TOPMed 0.00256.

Submissions (4):

CeGaT Center for Human Genetics Tuebingen
Classification: Benign. Last evaluated: 2022-10-01. Review status: criteria provided, single submitter. Criteria: CeGaT Center For Human Genetics Tuebingen Variant Classification Criteria Version 2. Collection method: clinical testing. Allele origin: germline. Affected: yes. Observed: 3 variant alleles.
Comment: KCNJ2: BS1, BS2

Illumina Laboratory Services, Illumina
Classification: Benign for Short QT syndrome type 3. Last evaluated: 2018-01-13. Review status: criteria provided, single submitter. Criteria: ICSL Variant Classification Criteria 13 December 2019. Collection method: clinical testing. Allele origin: germline.
Comment: This variant was observed in the ICSL laboratory as part of a predisposition screen in an ostensibly healthy population. It had not been previously curated by ICSL or reported in the Human Gene Mutation Database (HGMD: prior to June 1st, 2018), and was therefore a candidate for classification through an automated scoring system. Utilizing variant allele frequency, disease prevalence and penetrance estimates, and inheritance mode, an automated score was calculated to assess if this variant is too frequent to cause the disease. Based on the score and internal cut-off values, a variant classified as benign is not then subjected to further curation. The score for this variant resulted in a classification of benign for this disease.

Illumina Laboratory Services, Illumina
Classification: Benign for Andersen Tawil syndrome. Last evaluated: 2018-01-13. Review status: criteria provided, single submitter. Criteria: ICSL Variant Classification Criteria 13 December 2019. Collection method: clinical testing. Allele origin: germline.
Comment: the same text as in the submission from Illumina Laboratory Services, Illumina above.

Illumina Laboratory Services, Illumina
Classification: Uncertain significance for Atrial fibrillation, familial, 9. Last evaluated: 2018-01-13. Review status: criteria provided, single submitter. Criteria: ICSL Variant Classification Criteria 13 December 2019. Collection method: clinical testing. Allele origin: germline.

NM_000891.3(KCNJ2):c.*2893C>T

Gene: KCNJ2 (potassium inwardly rectifying channel subfamily J member 2; plus strand). Cytogenetic location: 17q24.3.
Variant type: single nucleotide variant.
Coding change: c.*2893C>T on transcript NM_000891.3 (MANE Select); 2893 bases downstream of the stop codon, C replaced by T.
Molecular consequence: 3 prime UTR variant.
Genome position (GRCh38, 1-based): chr17:70,179,216, C>T. VCF-style: chr17-70179216-C-T. GRCh37 (hg19) VCF-style: chr17-68175357-C-T.
Identifiers: ClinVar variation 324888 (VCV000324888.29), dbSNP rs137870461, ClinGen allele CA10649993.